The following is an entry in ClinVar:

NM_016648.4(LARP7):c.898_911del (p.Ser300fs)

Genes: LARP7 (La ribonucleoprotein 7, transcriptional regulator; plus strand), MIR302CHG (miR-302/367 cluster host gene; minus strand). Cytogenetic location: 4q25.
Variant type: Deletion.
Coding change: c.898_911del on transcript NM_016648.4 (MANE Select); coding-DNA positions 898 to 911, 14 bases deleted (TCTGAAGATGCAGA).
Protein change: p.Ser300fs; shifts the reading frame from serine 300.
Molecular consequence: frameshift variant. On other transcripts: non-coding transcript variant (1).
Genome position (GRCh38, 1-based): chr4:112,647,450-112,647,463, TCTGAAGATGCAGA deleted. VCF-style (leftmost placement, unchanged base first): chr4-112647449-CTCTGAAGATGCAGA-C. GRCh37 (hg19) VCF-style: chr4-113568605-CTCTGAAGATGCAGA-C.
Other names: c.898_911del, p.Ser300fs (NM_001267039.4, NM_001370974.1, NM_001370975.1 and 2 more transcripts); c.895_908del, p.Ser299fs (NM_001370976.1, NM_001370977.1, NM_001370979.1 and 1 more transcripts); c.661_674del, p.Ser221fs (NM_001370981.1, NM_001370982.1); short protein forms S221fs, S299fs, S300fs.
Identifiers: ClinVar variation 5019114 (VCV005019114.2).

ClinVar aggregate classification (germline): Likely pathogenic (1 of 4 stars; one submission).

Conditions:
Microcephalic primordial dwarfism, Alazami type. Also called: FACIAL DYSMORPHISM, INTELLECTUAL DISABILITY, AND PRIMORDIAL DWARFISM; Alazami syndrome. Identifiers: Orphanet 319671, MedGen C3554439, MONDO:0014031, OMIM 615071.

Submission:

Juno Genomics, Hangzhou Juno Genomics, Inc
Classification: Likely pathogenic for Microcephalic primordial dwarfism, Alazami type. Review status: criteria provided, single submitter. Criteria: ACMG Guidelines, 2015. Collection method: clinical testing. Allele origin: germline.
Comment: Absent from controls (or at extremely low frequency if recessive) in Genome Aggregation Database.;Null variant in a gene where loss of function (LOF) is a known mechanism of disease.